The following is an entry in ClinVar:

ClinVar aggregate classification (germline): Likely benign. Review status: criteria provided, multiple submitters, no conflicts (2 of 4 stars). 2 submissions from 2 submitters: Likely benign (2). Last evaluated 2021-01-14.

Conditions:
Early-infantile DEE. Also called: Ohtahara syndrome; Early infantile epileptic encephalopathy; Early infantile epileptic encephalopathy with suppression bursts. Identifiers: Orphanet 1934, MedGen C0393706, MONDO:0800491.

Allele frequency attached by ClinVar (database versions not stated): gnomAD exomes below 0.00001 and 0.00001.
gnomAD v4.1: 12 of 1,605,970 alleles (0.00075%); highest among the groups gnomAD compares: South Asian, 0.0011%; no homozygotes.

Submissions (2):

Labcorp Genetics (formerly Invitae), Labcorp
Classification: Likely benign for Early-infantile DEE. Last evaluated: 2021-01-14. Review status: criteria provided, single submitter. Criteria: Invitae Variant Classification Sherloc (09022015). Collection method: clinical testing. Allele origin: germline.

GeneDx
Classification: Likely benign. Last evaluated: 2017-12-27. Review status: criteria provided, single submitter. Criteria: GeneDx Variant Classification (06012015). Collection method: clinical testing. Allele origin: germline. Affected: yes.
Comment: This variant is considered likely benign or benign based on one or more of the following criteria: it is a conservative change, it occurs at a poorly conserved position in the protein, it is predicted to be benign by multiple in silico algorithms, and/or has population frequency not consistent with disease.

NM_172107.4(KCNQ2):c.603C>A (p.Arg201=)

Gene: KCNQ2 (potassium voltage-gated channel subfamily Q member 2; minus strand). Cytogenetic location: 20q13.33.
Variant type: single nucleotide variant.
Coding change: c.603C>A on transcript NM_172107.4 (MANE Select); coding-DNA position 603, C replaced by A.
Protein change: p.Arg201=; no amino-acid change (arginine 201 retained).
Molecular consequence: synonymous variant.
Genome position (GRCh38, 1-based): chr20:63,444,746, G>T on the plus strand (C>A on the coding strand, the complement: KCNQ2 is on the minus strand). VCF-style: chr20-63444746-G-T. GRCh37 (hg19) VCF-style: chr20-62076099-G-T.
Other names: c.603C>A, p.Arg201= (NM_004518.6, NM_172106.3, NM_172108.5 and 1 more transcripts).
Identifiers: ClinVar variation 392524 (VCV000392524.9), dbSNP rs1057524529, ClinGen allele CA16608426.